The following is an entry in ClinVar:

ClinVar aggregate classification (germline): Pathogenic. Review status: criteria provided, multiple submitters, no conflicts (2 of 4 stars). 5 submissions from 5 submitters: Pathogenic (4). 1 of the submissions does not count toward it. Last evaluated 2025-09-30.

Conditions:
Hereditary cancer-predisposing syndrome. Also called: Hereditary Cancer Syndrome; Hereditary neoplastic syndrome; Neoplastic Syndromes, Hereditary; Tumor predisposition. Identifiers: Orphanet 140162, MedGen C0027672, MeSH D009386, MONDO:0015356.
Familial adenomatous polyposis 1 (FAP1). Also called: FAMILIAL ADENOMATOUS POLYPOSIS 1, ATTENUATED; POLYPOSIS, ADENOMATOUS INTESTINAL. Identifiers: MedGen C2713442, MONDO:0021056, OMIM 175100. Disease mechanism: loss of function.

Submissions (5):

Ambry Genetics
Classification: Pathogenic for Hereditary cancer-predisposing syndrome. Last evaluated: 2025-09-30. Review status: criteria provided, single submitter. Criteria: Ambry Variant Classification Scheme 2023. Collection method: clinical testing. Allele origin: germline.
Comment: The c.1609delA pathogenic mutation, located in coding exon 12 of the APC gene, results from a deletion of one nucleotide at nucleotide position 1609, causing a translational frameshift with a predicted alternate stop codon (p.S537Vfs*12). This variant is considered to be rare based on population cohorts in the Genome Aggregation Database (gnomAD). This alteration is expected to result in loss of function by premature protein truncation or nonsense-mediated mRNA decay. As such, this alteration is interpreted as a disease-causing mutation.

Myriad Genetics, Inc.
Classification: Pathogenic for Familial adenomatous polyposis 1. Last evaluated: 2023-05-02. Review status: criteria provided, single submitter. Criteria: Myriad Autosomal Dominant, Autosomal Recessive and X-Linked Classification Criteria (2023). Collection method: clinical testing. Allele origin: unknown.
Comment: This variant is considered pathogenic. This variant creates a frameshift predicted to result in premature protein truncation.

Clinical Genetics Laboratory, Skane University Hospital Lund
Classification: Pathogenic. Last evaluated: 2022-05-27. Review status: criteria provided, single submitter. Criteria: ACMG Guidelines, 2015. Collection method: clinical testing. Allele origin: germline. Affected: yes.

Labcorp Genetics (formerly Invitae), Labcorp
Classification: Pathogenic for Familial adenomatous polyposis 1. Last evaluated: 2018-12-07. Review status: criteria provided, single submitter. Criteria: Invitae Variant Classification Sherloc (09022015). Collection method: clinical testing. Allele origin: germline.
Comment: This sequence change creates a premature translational stop signal (p.Ser537Valfs*12) in the APC gene. It is expected to result in an absent or disrupted protein product. This variant is not present in population databases (ExAC no frequency). This variant has been observed in an individual affected with familial adenomatous polyposis (PMID: 11145293). This variant is also known as deletion A causes frameshift at codon 537 and termination at 548 in the literature. ClinVar contains an entry for this variant (Variation ID: 217932). Loss-of-function variants in APC are known to be pathogenic (PMID: 17963004, 20685668). For these reasons, this variant has been classified as Pathogenic.

Mayo Clinic Laboratories, Mayo Clinic
Classification: Likely pathogenic. Review status: no assertion criteria provided. Collection method: research. Allele origin: unknown. Observed: 2 variant alleles. Not counted in ClinVar's aggregate classification.

Literature cited by the submitters: PubMed 11145293 (cited by Labcorp Genetics (formerly Invitae), Labcorp); PubMed 17963004 (cited by Labcorp Genetics (formerly Invitae), Labcorp); PubMed 20685668 (cited by Labcorp Genetics (formerly Invitae), Labcorp).

NM_000038.6(APC):c.1609del (p.Ser537fs)

Gene: APC (APC regulator of Wnt signaling pathway; plus strand). Cytogenetic location: 5q22.2.
Variant type: Deletion.
Coding change: c.1609del on transcript NM_000038.6 (MANE Select); coding-DNA position 1609, one base deleted (A; older notation c.1609delA).
Protein change: p.Ser537fs; shifts the reading frame from serine 537.
Molecular consequence: frameshift variant.
Genome position (GRCh38, 1-based): chr5:112,827,989, A deleted; the last of 3 consecutive A bases (chr5:112,827,987-112,827,989); deleting any one gives the same sequence. VCF-style (leftmost placement, unchanged base first): chr5-112827986-GA-G. GRCh37 (hg19) VCF-style: chr5-112163683-GA-G.
Other names: c.1609del, p.Ser537fs (NM_001127510.3, NM_001354895.2); c.1555del, p.Ser519fs (NM_001127511.3); c.1663del, p.Ser555fs (NM_001354896.2); c.1639del, p.Ser547fs (NM_001354897.2); c.1534del, p.Ser512fs (NM_001354898.2); c.1525del, p.Ser509fs (NM_001354899.2); c.1486del, p.Ser496fs (NM_001354900.2); c.1432del, p.Ser478fs (NM_001354901.2); and 5 more; short protein forms S254fs, S411fs, S436fs, S446fs, S478fs, S377fs, S509fs, S537fs.
Identifiers: ClinVar variation 217932 (VCV000217932.18), dbSNP rs863225317, ClinGen allele CA279666.